The following is an entry in ClinVar:

ClinVar aggregate classification (germline): Uncertain significance (1 of 4 stars; one submission).

Submission:

GeneDx
Classification: Uncertain significance. Last evaluated: 2024-08-19. Review status: criteria provided, single submitter. Criteria: GeneDx Variant Classification Process June 2021. Collection method: clinical testing. Allele origin: germline. Affected: yes.
Comment: Not observed at significant frequency in large population cohorts (gnomAD); In silico analysis supports that this missense variant has a deleterious effect on protein structure/function; Has not been previously published as pathogenic or benign to our knowledge

NM_001170629.2(CHD8):c.7033C>T (p.Pro2345Ser)

Genes: CHD8 (chromodomain helicase DNA binding protein 8; minus strand), LOC126861888 (CDK7 strongly-dependent group 2 enhancer GRCh37_chr14:21859227-21860426; plus strand). Cytogenetic location: 14q11.2.
Variant type: single nucleotide variant.
Coding change: c.7033C>T on transcript NM_001170629.2 (MANE Select); coding-DNA position 7033, C replaced by T.
Protein change: p.Pro2345Ser; replaces proline 2345 with serine.
Molecular consequence: missense variant.
Genome position (GRCh38, 1-based): chr14:21,391,495, G>A on the plus strand (C>T on the coding strand, the complement: CHD8 is on the minus strand). VCF-style: chr14-21391495-G-A. GRCh37 (hg19) VCF-style: chr14-21859654-G-A.
Other names: c.6196C>T, p.Pro2066Ser (NM_020920.4); short protein forms P2066S, P2345S.
Identifiers: ClinVar variation 3764310 (VCV003764310.1).